The following is an entry in ClinVar:

NM_002317.7(LOX):c.295_299dup (p.Ala101fs)

Genes: LOX (lysyl oxidase; minus strand), SRFBP1 (serum response factor binding protein 1; plus strand). Cytogenetic location: 5q23.1.
Variant type: Microsatellite.
Coding change: c.295_299dup on transcript NM_002317.7 (MANE Select); coding-DNA positions 295 to 299, 5 bases duplicated (ACCGC; older notation c.295_299dupACCGC).
Protein change: p.Ala101fs; shifts the reading frame from alanine 101.
Molecular consequence: frameshift variant.
Genome position (GRCh38, 1-based): chr5:122,077,687-122,077,691, GCGGT duplicated on the plus strand (ACCGC on the coding strand, the reverse complement: LOX is on the minus strand); duplicating any 5 consecutive bases within chr5:122,077,687-122,077,696 gives the same sequence; the c. name uses the placement nearest the transcript's 3' end. VCF-style (leftmost placement, unchanged base first): chr5-122077686-G-GGCGGT. GRCh37 (hg19) VCF-style: chr5-121413381-G-GGCGGT.
Other names: short protein forms A101fs.
Identifiers: ClinVar variation 1798053 (VCV001798053.2), dbSNP rs2532917277, ClinGen allele CA2580613645.
Genomic context (GRCh38, chr5:122,077,686, plus strand): 5'-GGTGGGCCTGGGGCGGCCAGCGGTGACTCCAGATGAGCCGGCCGTCCGCGTTCGCGCCGC[G>GGCGGT]GCGGTGCGGTTGTCGCGGATCAGCAGGATCGGAGTGCGGGGCTGCTGGGCGGAGGCGTTG-3'

ClinVar aggregate classification (germline): Likely pathogenic (1 of 4 stars; one submission).

Conditions:
Cardiovascular phenotype. Identifiers: MedGen CN230736.

Submission:

Ambry Genetics
Classification: Likely pathogenic for Cardiovascular phenotype. Last evaluated: 2019-03-19. Review status: criteria provided, single submitter. Criteria: Ambry Variant Classification Scheme 2023. Collection method: clinical testing. Allele origin: germline.
Comment: The c.295_299dupACCGC variant, located in coding exon 1 of the LOX gene, results from a duplication of ACCGC at nucleotide position 295, causing a translational frameshift with a predicted alternate stop codon (p.A101Pfs*138). In addition to the clinical data presented in the literature, this alteration is expected to result in loss of function by premature protein truncation or nonsense-mediated mRNA decay. Loss of function of LOX has not yet been clearly established as a mechanism of disease for this recently characterized gene, although the available evidence does support haploinsufficiency as a mechanism. Based on the majority of available evidence to date, this variant is likely to be pathogenic.